The following is an entry in ClinVar:

NM_000535.7(PMS2):c.1361T>G (p.Leu454Arg)

Gene: PMS2 (PMS1 homolog 2, mismatch repair system component; minus strand). Cytogenetic location: 7p22.1.
Variant type: single nucleotide variant.
Coding change: c.1361T>G on transcript NM_000535.7 (MANE Select); coding-DNA position 1361, T replaced by G.
Protein change: p.Leu454Arg; replaces leucine 454 with arginine.
Molecular consequence: missense variant. On other transcripts: non-coding transcript variant (1).
Genome position (GRCh38, 1-based): chr7:5,987,404, A>C on the plus strand (T>G on the coding strand, the complement: PMS2 is on the minus strand). VCF-style: chr7-5987404-A-C. GRCh37 (hg19) VCF-style: chr7-6027035-A-C.
Other names: c.956T>G, p.Leu319Arg (NM_001018040.1, NM_001322003.2, NM_001322004.2 and 17 more transcripts); c.1205T>G, p.Leu402Arg (NM_001322006.2, NM_001406870.1); c.1043T>G, p.Leu348Arg (NM_001322007.2, NM_001322008.2, NM_001406876.1 and 2 more transcripts); c.800T>G, p.Leu267Arg (NM_001322010.2, NM_001406906.1, NM_001406907.1); c.428T>G, p.Leu143Arg (NM_001322011.2, NM_001322012.2); c.788T>G, p.Leu263Arg (NM_001322013.2, NM_001406909.1); c.1361T>G, p.Leu454Arg (NM_001322014.2, NM_001406871.1, NM_001406872.1); c.1052T>G, p.Leu351Arg (NM_001322015.2, NM_001406875.1, NM_001406877.1 and 5 more transcripts); and 12 more; short protein forms L143R, L197R, L332R, L388R, L462R, L296R, L299R, L319R.
Identifiers: ClinVar variation 1770850 (VCV001770850.2), dbSNP rs772659239, ClinGen allele CA366742249.

ClinVar aggregate classification (germline): Uncertain significance (1 of 4 stars; one submission).

Conditions:
Hereditary cancer-predisposing syndrome. Also called: Hereditary Cancer Syndrome; Hereditary neoplastic syndrome; Neoplastic Syndromes, Hereditary; Tumor predisposition. Identifiers: Orphanet 140162, MedGen C0027672, MeSH D009386, MONDO:0015356.

Submission:

Ambry Genetics
Classification: Uncertain significance for Hereditary cancer-predisposing syndrome. Last evaluated: 2019-11-20. Review status: criteria provided, single submitter. Criteria: Ambry Variant Classification Scheme 2023. Collection method: clinical testing. Allele origin: germline.
Comment: The p.L454R variant (also known as c.1361T>G), located in coding exon 11 of the PMS2 gene, results from a T to G substitution at nucleotide position 1361. The leucine at codon 454 is replaced by arginine, an amino acid with dissimilar properties. This amino acid position is poorly conserved in available vertebrate species. In addition, this alteration is predicted to be tolerated by in silico analysis. Since supporting evidence is limited at this time, the clinical significance of this alteration remains unclear.